The following is an entry in ClinVar:

NM_001353345.2(SETD1B):c.2987G>A (p.Arg996Gln)

Gene: SETD1B (SET domain containing 1B, histone lysine methyltransferase; plus strand). Cytogenetic location: 12q24.31.
Variant type: single nucleotide variant.
Coding change: c.2987G>A on transcript NM_001353345.2 (MANE Select); coding-DNA position 2987, G replaced by A.
Protein change: p.Arg996Gln; replaces arginine 996 with glutamine.
Molecular consequence: missense variant.
Genome position (GRCh38, 1-based): chr12:121,817,379, G>A. VCF-style: chr12-121817379-G-A. GRCh37 (hg19) VCF-style: chr12-122255285-G-A.
Other names: short protein forms R996Q.
Identifiers: ClinVar variation 3376342 (VCV003376342.5).

ClinVar aggregate classification (germline): Conflicting classifications of pathogenicity. Review status: criteria provided, conflicting classifications (1 of 4 stars). 2 submissions from 2 submitters: Uncertain significance (1); Likely benign (1). Last evaluated 2026-02-01.

Conditions:
Intellectual developmental disorder with seizures and language delay (IDDSELD). Identifiers: MedGen C5436574, MONDO:0033559, OMIM 619000.

gnomAD v4.1: 28 of 1,526,992 alleles (0.0018%); highest among the groups gnomAD compares: South Asian, 0.0087%; no homozygotes.

Submissions (2):

CeGaT Center for Human Genetics Tuebingen
Classification: Likely benign. Last evaluated: 2026-02-01. Review status: criteria provided, single submitter. Criteria: CeGaT Center For Human Genetics Tuebingen Variant Classification Criteria Version 2. Collection method: clinical testing. Allele origin: germline. Affected: yes. Observed: 1 variant allele.
Comment: SETD1B: BP4

Pittsburgh Clinical Genomics Laboratory, University of Pittsburgh Medical Center
Classification: Uncertain significance for Intellectual developmental disorder with seizures and language delay. Last evaluated: 2024-02-29. Review status: criteria provided, single submitter. Criteria: ACMG Guidelines, 2015. Collection method: clinical testing. Allele origin: germline. Inheritance: Autosomal dominant inheritance. Affected: yes.
Comment: This sequence variant is a single nucleotide substitution (G>A) at position 2987 of the coding sequence of the SETD1B gene that results in an arginine to glutamine amino acid change at residue 996 of the SET domain containing 1B, histone lysine methyltransferase protein. This variant is absent from ClinVar and is present in 5 of 288448 alleles (0.0017%) in the gnomAD population dataset. To our knowledge, this variant has not been observed in an individual affected by a SETD1B-related disorder in the published literature. Multiple bioinformatic tools predict that this amino acid change would be neutral, and the Arg996 residue at this position is highly conserved across the vertebrate species examined. Studies examining the functional consequence of this variant have not been published, to our knowledge. At this time, there is insufficient evidence to determine if this variant is pathogenic or benign. Therefore, we consider this a variant of uncertain significance. ACMG Criteria: BP4, PM2